The following is an entry in ClinVar:

ClinVar aggregate classification (germline): Uncertain significance (1 of 4 stars; one submission).

Allele frequency attached by ClinVar (database versions not stated): gnomAD exomes below 0.00001; ExAC 0.00001.
gnomAD v4.1: 2 of 1,614,102 alleles (0.00012%); highest among the groups gnomAD compares: Admixed American, 0.0033%; no homozygotes.

Submission:

Labcorp Genetics (formerly Invitae), Labcorp
Classification: Uncertain significance. Last evaluated: 2022-09-01. Review status: criteria provided, single submitter. Criteria: Invitae Variant Classification Sherloc (09022015). Collection method: clinical testing. Allele origin: germline.
Comment: In summary, the available evidence is currently insufficient to determine the role of this variant in disease. Therefore, it has been classified as a Variant of Uncertain Significance. Algorithms developed to predict the effect of missense changes on protein structure and function (SIFT, PolyPhen-2, Align-GVGD) all suggest that this variant is likely to be tolerated. ClinVar contains an entry for this variant (Variation ID: 837997). This variant has not been reported in the literature in individuals affected with SZT2-related conditions. This variant is present in population databases (rs759709991, gnomAD 0.003%). This sequence change replaces serine, which is neutral and polar, with isoleucine, which is neutral and non-polar, at codon 1113 of the SZT2 protein (p.Ser1113Ile).

NM_001365999.1(SZT2):c.3509G>T (p.Ser1170Ile)

Gene: SZT2 (SZT2 subunit of KICSTOR complex; plus strand). Cytogenetic location: 1p34.2.
Variant type: single nucleotide variant.
Coding change: c.3509G>T on transcript NM_001365999.1 (MANE Select); coding-DNA position 3509, G replaced by T.
Protein change: p.Ser1170Ile; replaces serine 1170 with isoleucine.
Molecular consequence: missense variant.
Genome position (GRCh38, 1-based): chr1:43,427,356, G>T. VCF-style: chr1-43427356-G-T. GRCh37 (hg19) VCF-style: chr1-43893027-G-T.
Other names: c.3338G>T, p.Ser1113Ile (NM_015284.4); short protein forms S1170I, S1113I.
Identifiers: ClinVar variation 837997 (VCV000837997.7), dbSNP rs759709991, ClinGen allele CA809010.
Genomic context (GRCh38, chr1:43,427,356, plus strand): 5'-CTGCCTGTGGCCTGGAGGGACCCCCTCAAGAGGAGACAAAGCCTAAGTTTGGGGATTGGA[G>T]TGGGGCTCCCAGTCTGAAAGATCTAGGAGGAACTGGGATCAAAGCTACAAAGTCCCACGT-3'
Protein context (NP_001352928.1, residues 1160-1180): EETKPKFGDW[Ser1170Ile]GAPSLKDLGG